The following is an entry in ClinVar:

NM_020461.4(TUBGCP6):c.1894del (p.Glu632fs)

Gene: TUBGCP6 (tubulin gamma complex component 6; minus strand). Cytogenetic location: 22q13.33.
Variant type: Deletion.
Coding change: c.1894del on transcript NM_020461.4 (MANE Select); coding-DNA position 1894, one base deleted (G; older notation c.1894delG).
Protein change: p.Glu632fs; shifts the reading frame from glutamic acid 632.
Molecular consequence: frameshift variant.
Genome position (GRCh38, 1-based): chr22:50,225,883, C deleted on the plus strand (G on the coding strand, the reverse complement: TUBGCP6 is on the minus strand); the first of 2 consecutive C bases (chr22:50,225,883-50,225,884); deleting either gives the same sequence. VCF-style (leftmost placement, unchanged base first): chr22-50225882-TC-T. GRCh37 (hg19) VCF-style: chr22-50664311-TC-T.
Other names: short protein forms E632fs.
Identifiers: ClinVar variation 1402469 (VCV001402469.3), dbSNP rs2147187633, ClinGen allele CA2573158245.
Genomic context (GRCh38, chr22:50,225,882, plus strand): 5'-CGGGCCACCCTCTCCATGCGCCCAACGTAGACGGCACAGTCCTTCTCAATCTCCTTCAAC[TC>T]CTCAAGGGAGAAAATCACCGAGATCCGGGGGACAGGGACGTCGGACCAACAGAGGTAATG-3'

ClinVar aggregate classification (germline): Pathogenic (1 of 4 stars; one submission).

Submission:

Labcorp Genetics (formerly Invitae), Labcorp
Classification: Pathogenic. Last evaluated: 2022-06-20. Review status: criteria provided, single submitter. Criteria: Invitae Variant Classification Sherloc (09022015). Collection method: clinical testing. Allele origin: germline.
Comment: This sequence change creates a premature translational stop signal (p.Glu632Serfs*2) in the TUBGCP6 gene. It is expected to result in an absent or disrupted protein product. Loss-of-function variants in TUBGCP6 are known to be pathogenic (PMID: 25344692). This variant is not present in population databases (gnomAD no frequency). This variant has not been reported in the literature in individuals affected with TUBGCP6-related conditions. Algorithms developed to predict the effect of sequence changes on RNA splicing suggest that this variant may disrupt the consensus splice site. For these reasons, this variant has been classified as Pathogenic.

Literature cited by the submitters: PubMed 25344692.